The following is an entry in ClinVar:

NM_020247.5(COQ8A):c.493C>G (p.Gln165Glu)

Gene: COQ8A (coenzyme Q8A; plus strand). Cytogenetic location: 1q42.13.
Variant type: single nucleotide variant.
Coding change: c.493C>G on transcript NM_020247.5 (MANE Select); coding-DNA position 493, C replaced by G.
Protein change: p.Gln165Glu; replaces glutamine 165 with glutamic acid.
Molecular consequence: missense variant.
Genome position (GRCh38, 1-based): chr1:226,965,315, C>G. VCF-style: chr1-226965315-C-G. GRCh37 (hg19) VCF-style: chr1-227153016-C-G.
Other names: short protein forms Q165E.
Identifiers: ClinVar variation 1490720 (VCV001490720.6), dbSNP rs755181824, ClinGen allele CA38628956.

ClinVar aggregate classification (germline): Uncertain significance (1 of 4 stars; one submission).

Allele frequency attached by ClinVar (database versions not stated): gnomAD 0.00001.
gnomAD v4.1: 2 of 1,613,692 alleles (0.00012%); highest among the groups gnomAD compares: Admixed American, 0.0017%; no homozygotes.

Submission:

Labcorp Genetics (formerly Invitae), Labcorp
Classification: Uncertain significance. Last evaluated: 2021-07-21. Review status: criteria provided, single submitter. Criteria: Invitae Variant Classification Sherloc (09022015). Collection method: clinical testing. Allele origin: germline.
Comment: In summary, the available evidence is currently insufficient to determine the role of this variant in disease. Therefore, it has been classified as a Variant of Uncertain Significance. Advanced modeling of protein sequence and biophysical properties (such as structural, functional, and spatial information, amino acid conservation, physicochemical variation, residue mobility, and thermodynamic stability) performed at Invitae indicates that this missense variant is not expected to disrupt COQ8A protein function. This variant has not been reported in the literature in individuals affected with COQ8A-related conditions. This variant is not present in population databases (ExAC no frequency). This sequence change replaces glutamine with glutamic acid at codon 165 of the COQ8A protein (p.Gln165Glu). The glutamine residue is highly conserved and there is a small physicochemical difference between glutamine and glutamic acid.